The following is an entry in ClinVar:

NM_014028.4(OSTM1):c.551del (p.Asn184fs)

Gene: OSTM1 (osteoclastogenesis associated transmembrane protein 1; minus strand). Cytogenetic location: 6q21.
Variant type: Deletion.
Coding change: c.551del on transcript NM_014028.4 (MANE Select); coding-DNA position 551, one base deleted (A; older notation c.551delA).
Protein change: p.Asn184fs; shifts the reading frame from asparagine 184.
Molecular consequence: frameshift variant.
Genome position (GRCh38, 1-based): chr6:108,054,554, T deleted on the plus strand (A on the coding strand, the reverse complement: OSTM1 is on the minus strand); the first of 3 consecutive T bases (chr6:108,054,554-108,054,556); deleting any one gives the same sequence. VCF-style (leftmost placement, unchanged base first): chr6-108054553-GT-G. GRCh37 (hg19) VCF-style: chr6-108375757-GT-G.
Other names: short protein forms N184fs.
Identifiers: ClinVar variation 2888219 (VCV002888219.3), dbSNP rs778815348, ClinGen allele CA3948021.

ClinVar aggregate classification (germline): Pathogenic (1 of 4 stars; one submission).

Submission:

Labcorp Genetics (formerly Invitae), Labcorp
Classification: Pathogenic. Last evaluated: 2024-03-20. Review status: criteria provided, single submitter. Criteria: Invitae Variant Classification Sherloc (09022015). Collection method: clinical testing. Allele origin: germline.
Comment: This sequence change creates a premature translational stop signal (p.Asn184Thrfs*14) in the OSTM1 gene. It is expected to result in an absent or disrupted protein product. Loss-of-function variants in OSTM1 are known to be pathogenic (PMID: 12627228, 15108279, 16813530). This variant is present in population databases (rs778815348, gnomAD 0.0009%). This variant has not been reported in the literature in individuals affected with OSTM1-related conditions. For these reasons, this variant has been classified as Pathogenic.

Literature cited by the submitters: PubMed 12627228; PubMed 15108279; PubMed 16813530.